The following is an entry in ClinVar:

NM_002184.4(IL6ST):c.1252G>T (p.Ala418Ser)

Gene: IL6ST (interleukin 6 cytokine family signal transducer; minus strand). Cytogenetic location: 5q11.2.
Variant type: single nucleotide variant.
Coding change: c.1252G>T on transcript NM_002184.4 (MANE Select); coding-DNA position 1252, G replaced by T.
Protein change: p.Ala418Ser; replaces alanine 418 with serine.
Molecular consequence: missense variant. On other transcripts: 3 prime UTR variant (1), non-coding transcript variant (2).
Genome position (GRCh38, 1-based): chr5:55,956,040, C>A on the plus strand (G>T on the coding strand, the complement: IL6ST is on the minus strand). VCF-style: chr5-55956040-C-A. GRCh37 (hg19) VCF-style: chr5-55251868-C-A.
Other names: c.349G>T, p.Ala117Ser (NM_001364278.2); c.256G>T, p.Ala86Ser (NM_001364279.2); c.*179G>T (NM_175767.3); c.1252G>T, p.Ala418Ser (NM_001190981.2, NM_001364275.2); c.1042G>T, p.Ala348Ser (NM_001364276.2); c.385G>T, p.Ala129Ser (NM_001364277.2); short protein forms A348S, A86S, A117S, A129S, A418S.
Identifiers: ClinVar variation 2868310 (VCV002868310.3), dbSNP rs1751941262, ClinGen allele CA359763833.

ClinVar aggregate classification (germline): Uncertain significance (1 of 4 stars; one submission).

Allele frequency attached by ClinVar (database versions not stated): gnomAD exomes below 0.00001.
gnomAD v4.1: 6 of 1,612,256 alleles (0.00037%); highest among the groups gnomAD compares: Non-Finnish European, 0.00051%; no homozygotes.

Submission:

Labcorp Genetics (formerly Invitae), Labcorp
Classification: Uncertain significance. Last evaluated: 2022-12-03. Review status: criteria provided, single submitter. Criteria: Invitae Variant Classification Sherloc (09022015). Collection method: clinical testing. Allele origin: germline.
Comment: This variant is not present in population databases (gnomAD no frequency). This sequence change replaces alanine, which is neutral and non-polar, with serine, which is neutral and polar, at codon 418 of the IL6ST protein (p.Ala418Ser). This variant has not been reported in the literature in individuals affected with IL6ST-related conditions. In summary, the available evidence is currently insufficient to determine the role of this variant in disease. Therefore, it has been classified as a Variant of Uncertain Significance. Algorithms developed to predict the effect of missense changes on protein structure and function output the following: SIFT: "Tolerated"; PolyPhen-2: "Benign"; Align-GVGD: "Class C0". The serine amino acid residue is found in multiple mammalian species, which suggests that this missense change does not adversely affect protein function.